The following is an entry in ClinVar:

ClinVar aggregate classification (germline): Uncertain significance (1 of 4 stars; one submission).

Allele frequency attached by ClinVar (database versions not stated): gnomAD exomes 0.00002; gnomAD 0.00003; TOPMed 0.00003; ExAC 0.00010.
gnomAD v4.1: 37 of 1,611,494 alleles (0.0023%); highest among the groups gnomAD compares: Admixed American, 0.012%; no homozygotes.

Submission:

Labcorp Genetics (formerly Invitae), Labcorp
Classification: Uncertain significance. Last evaluated: 2022-06-20. Review status: criteria provided, single submitter. Criteria: Invitae Variant Classification Sherloc (09022015). Collection method: clinical testing. Allele origin: germline.
Comment: This sequence change replaces glycine, which is neutral and non-polar, with aspartic acid, which is acidic and polar, at codon 539 of the CDH23 protein (p.Gly539Asp). This variant is present in population databases (rs746351845, gnomAD 0.02%). This missense change has been observed in individual(s) with deafness (PMID: 25963016, 31486067). Algorithms developed to predict the effect of missense changes on protein structure and function are either unavailable or do not agree on the potential impact of this missense change (SIFT: "Deleterious"; PolyPhen-2: "Not Available"; Align-GVGD: "Class C25"). In summary, the available evidence is currently insufficient to determine the role of this variant in disease. Therefore, it has been classified as a Variant of Uncertain Significance.

Literature cited by the submitters: PubMed 25963016; PubMed 31486067.

NM_022124.6(CDH23):c.1616G>A (p.Gly539Asp)

Gene: CDH23 (cadherin related 23; plus strand). Cytogenetic location: 10q22.1.
Variant type: single nucleotide variant.
Coding change: c.1616G>A on transcript NM_022124.6 (MANE Select); coding-DNA position 1616, G replaced by A.
Protein change: p.Gly539Asp; replaces glycine 539 with aspartic acid.
Molecular consequence: missense variant.
Genome position (GRCh38, 1-based): chr10:71,677,557, G>A. VCF-style: chr10-71677557-G-A. GRCh37 (hg19) VCF-style: chr10-73437314-G-A.
Other names: c.1616G>A, p.Gly539Asp (NM_001171931.2, NM_001171930.2); short protein forms G539D.
Identifiers: ClinVar variation 2136880 (VCV002136880.1), dbSNP rs746351845, ClinGen allele CA5543906.